The following is an entry in ClinVar:

ClinVar aggregate classification (germline): Likely benign. Review status: criteria provided, multiple submitters, no conflicts (2 of 4 stars). 6 submissions from 6 submitters: Likely benign (5). 1 of the submissions does not count toward it. Last evaluated 2026-05-01.

Conditions:
ANKRD11-related disorder. Also called: ANKRD11-related condition.
Inborn genetic diseases. Identifiers: MedGen C0950123, MeSH D030342.
KBG syndrome (KBGS). Also called: ANKRD11-Related KBG Syndrome. Identifiers: Orphanet 2332, MedGen C0220687, MONDO:0007846, OMIM 148050.

Allele frequency attached by ClinVar (database versions not stated): gnomAD 0.00001; gnomAD exomes 0.00001 and 0.00002.

Submissions (6):

CeGaT Center for Human Genetics Tuebingen
Classification: Likely benign. Last evaluated: 2026-05-01. Review status: criteria provided, single submitter. Criteria: CeGaT Center For Human Genetics Tuebingen Variant Classification Criteria Version 2. Collection method: clinical testing. Allele origin: germline. Affected: yes. Observed: 2 variant alleles.
Comment: ANKRD11: BP4, BP7

Labcorp Genetics (formerly Invitae), Labcorp
Classification: Likely benign for KBG syndrome. Last evaluated: 2025-11-04. Review status: criteria provided, single submitter. Criteria: Invitae Variant Classification Sherloc (09022015). Collection method: clinical testing. Allele origin: germline.

Blueprint Genetics
Classification: Likely benign. Last evaluated: 2024-10-11. Review status: criteria provided, single submitter. Criteria: ACMG Guidelines, 2015. Collection method: clinical testing. Allele origin: germline.

GeneDx
Classification: Likely benign. Last evaluated: 2021-05-25. Review status: criteria provided, single submitter. Criteria: GeneDx Variant Classification Process June 2021. Collection method: clinical testing. Allele origin: germline. Affected: yes.

Ambry Genetics
Classification: Likely benign for Inborn genetic diseases. Last evaluated: 2019-09-06. Review status: criteria provided, single submitter. Criteria: Ambry Variant Classification Scheme 2023. Collection method: clinical testing. Allele origin: germline.

PreventionGenetics, part of Exact Sciences
Classification: Likely benign for ANKRD11-related condition. Last evaluated: 2024-01-29. Review status: no assertion criteria provided. Collection method: clinical testing. Allele origin: germline. Not counted in ClinVar's aggregate classification.
Comment: This variant is classified as likely benign based on ACMG/AMP sequence variant interpretation guidelines (Richards et al. 2015 PMID: 25741868, with internal and published modifications).

NM_013275.6(ANKRD11):c.6963C>T (p.Ala2321=)

Gene: ANKRD11 (ankyrin repeat domain 11; minus strand). Cytogenetic location: 16q24.3.
Variant type: single nucleotide variant.
Coding change: c.6963C>T on transcript NM_013275.6 (MANE Select); coding-DNA position 6963, C replaced by T.
Protein change: p.Ala2321=; no amino-acid change (alanine 2321 retained).
Molecular consequence: synonymous variant.
Genome position (GRCh38, 1-based): chr16:89,279,579, G>A on the plus strand (C>T on the coding strand, the complement: ANKRD11 is on the minus strand). VCF-style: chr16-89279579-G-A. GRCh37 (hg19) VCF-style: chr16-89345987-G-A.
Other names: c.6963C>T, p.Ala2321= (NM_001256182.2, NM_001256183.2).
Identifiers: ClinVar variation 1326648 (VCV001326648.43), dbSNP rs747782477, ClinGen allele CA8241312.
Genomic context (GRCh38, chr16:89,279,579, plus strand): 5'-CGCCCGGTTCCTGGTCATGCGCTGAGGGATCTCCTCCACTCGGGGGGCCTTCGGGGCTTC[G>A]GCCGTGGGTTTTGGTTCTGCGGCTTCCGGCTGGATGCCGCCAGGAGGGCCTTCGGCTGGG-3'
Protein context (NP_037407.4, residues 2311-2331): QPEAAEPKPT[Ala2321=]EAPKAPRVEE